The following is an entry in ClinVar:

NM_001041.4(SI):c.4505A>G (p.Tyr1502Cys)

Gene: SI (sucrase-isomaltase; minus strand). Cytogenetic location: 3q26.1.
Variant type: single nucleotide variant.
Coding change: c.4505A>G on transcript NM_001041.4 (MANE Select); coding-DNA position 4505, A replaced by G.
Protein change: p.Tyr1502Cys; replaces tyrosine 1502 with cysteine.
Molecular consequence: missense variant.
Genome position (GRCh38, 1-based): chr3:164,998,575, T>C on the plus strand (A>G on the coding strand, the complement: SI is on the minus strand). VCF-style: chr3-164998575-T-C. GRCh37 (hg19) VCF-style: chr3-164716363-T-C.
Other names: short protein forms Y1502C.
Identifiers: ClinVar variation 1905346 (VCV001905346.5), dbSNP rs1382587818, ClinGen allele CA355030722.
Genomic context (GRCh38, chr3:164,998,575, plus strand): 5'-AATAAAGATGGTGACTTTCACTTACCAATGATTGATTTGTCCATGTTGTCCCATCGTGCA[T>C]AGTTGTCTCCAAGCCAGTGTCCTCCCCATCGTCCACTAGTAGGATACGTGGAACGAGAAA-3'
Protein context (NP_001032.2, residues 1492-1512): RWGGHWLGDN[Tyr1502Cys]ARWDNMDKSI

ClinVar aggregate classification (germline): Uncertain significance. Review status: criteria provided, multiple submitters, no conflicts (2 of 4 stars). 2 submissions from 2 submitters: Uncertain significance (2). Last evaluated 2024-02-07.

Conditions:
Sucrase-isomaltase deficiency (CSID). Also called: Congenital sucrose isomaltose malabsorption; Sucrose isomaltose enzyme deficiency; Deficiency of isomaltase; SI DEFICIENCY. Identifiers: Orphanet 35122, MedGen C1283620, MONDO:0009114, OMIM 222900.

Allele frequency attached by ClinVar (database versions not stated): TOPMed below 0.00001; gnomAD 0.00002; gnomAD exomes 0.00002.
gnomAD v4.1: 29 of 1,612,164 alleles (0.0018%); highest among the groups gnomAD compares: African/African-American, 0.0027%; no homozygotes.

Submissions (2):

Fulgent Genetics
Classification: Uncertain significance for Sucrase-isomaltase deficiency. Last evaluated: 2024-02-07. Review status: criteria provided, single submitter. Criteria: ACMG Guidelines, 2015. Collection method: clinical testing. Allele origin: germline.

Labcorp Genetics (formerly Invitae), Labcorp
Classification: Uncertain significance. Last evaluated: 2022-02-25. Review status: criteria provided, single submitter. Criteria: Invitae Variant Classification Sherloc (09022015). Collection method: clinical testing. Allele origin: germline.
Comment: In summary, the available evidence is currently insufficient to determine the role of this variant in disease. Therefore, it has been classified as a Variant of Uncertain Significance. Algorithms developed to predict the effect of missense changes on protein structure and function are either unavailable or do not agree on the potential impact of this missense change (SIFT: "Tolerated"; PolyPhen-2: "Probably Damaging"; Align-GVGD: "Class C15"). This variant has not been reported in the literature in individuals affected with SI-related conditions. This variant is present in population databases (no rsID available, gnomAD 0.02%). This sequence change replaces tyrosine, which is neutral and polar, with cysteine, which is neutral and slightly polar, at codon 1502 of the SI protein (p.Tyr1502Cys).